The following is an entry in ClinVar:

NM_201384.3(PLEC):c.3261-271G>C

Genes: PLEC (plectin; minus strand), LOC130001332 (ATAC-STARR-seq lymphoblastoid active region 28075; plus strand). Cytogenetic location: 8q24.3.
Variant type: single nucleotide variant.
Coding change: c.3261-271G>C on transcript NM_201384.3 (MANE Select); 271 bases into the intron before coding-DNA position 3261, G replaced by C.
Molecular consequence: intron variant.
Genome position (GRCh38, 1-based): chr8:143,928,263, C>G on the plus strand (G>C on the coding strand, the complement: PLEC is on the minus strand). VCF-style: chr8-143928263-C-G. GRCh37 (hg19) VCF-style: chr8-145002431-C-G.
Other names: c.3342-271G>C (NM_000445.5); c.3219-271G>C (NM_201378.4); c.3195-271G>C (NM_201379.3); c.3672-271G>C (NM_201380.4); c.3165-271G>C (NM_201381.3); c.3261-271G>C (NM_201382.4); c.3273-271G>C (NM_201383.3).
Identifiers: ClinVar variation 683692 (VCV000683692.1), dbSNP rs62522555, ClinGen allele CA12780802.

ClinVar aggregate classification (germline): Benign (1 of 4 stars; one submission).

Allele frequency attached by ClinVar (database versions not stated): 1000 Genomes Project 30x 0.22626; 1000 Genomes Project 0.22823; TOPMed 0.28085; gnomAD 0.29883 and 0.30048.

Submission:

GeneDx
Classification: Benign. Last evaluated: 2018-06-19. Review status: criteria provided, single submitter. Criteria: GeneDx Variant Classification (06012015). Collection method: clinical testing. Allele origin: germline. Affected: yes.
Comment: This variant is considered likely benign or benign based on one or more of the following criteria: it is a conservative change, it occurs at a poorly conserved position in the protein, it is predicted to be benign by multiple in silico algorithms, and/or has population frequency not consistent with disease.